The following is an entry in ClinVar:

NM_025132.4(WDR19):c.3001G>A (p.Gly1001Ser)

Gene: WDR19 (WD repeat domain 19; plus strand). Cytogenetic location: 4p14.
Variant type: single nucleotide variant.
Coding change: c.3001G>A on transcript NM_025132.4 (MANE Select); coding-DNA position 3001, G replaced by A.
Protein change: p.Gly1001Ser; replaces glycine 1001 with serine.
Molecular consequence: missense variant.
Genome position (GRCh38, 1-based): chr4:39,254,030, G>A. VCF-style: chr4-39254030-G-A. GRCh37 (hg19) VCF-style: chr4-39255650-G-A.
Other names: c.2521G>A, p.Gly841Ser (NM_001317924.2); short protein forms G1001S, G841S.
Identifiers: ClinVar variation 3759123 (VCV003759123.2).
Genomic context (GRCh38, chr4:39,254,030, plus strand): 5'-AATGAAGCTTTCACACTGGCTCAGCAACACAACAAAATGGAAATCTATGCAGATATTATT[G>A]GTAAATATCATTTTTTCCCTGGTTCTCTTCAAGATGTTTATCATAAAAACACTTTGTCTC-3'
Protein context (NP_079408.3, residues 991-1011): NKMEIYADII[Gly1001Ser]SEDTTNEDYQ

ClinVar aggregate classification (germline): Uncertain significance (1 of 4 stars; one submission).

Conditions:
Asphyxiating thoracic dystrophy 5 (SRTD5). Also called: SHORT-RIB THORACIC DYSPLASIA 5 WITH OR WITHOUT POLYDACTYLY; SHORT-RIB THORACIC DYSPLASIA 5 WITHOUT POLYDACTYLY. Identifiers: Orphanet 474, MedGen C3280598, MONDO:0013717, OMIM 614376.
Senior-Loken syndrome 8 (SLSN8). Identifiers: Orphanet 3156, MedGen C4225376, MONDO:0014579, OMIM 616307.

Submission:

Labcorp Genetics (formerly Invitae), Labcorp
Classification: Uncertain significance for Senior-Loken syndrome 8; Asphyxiating thoracic dystrophy 5. Last evaluated: 2024-09-26. Review status: criteria provided, single submitter. Criteria: Invitae Variant Classification Sherloc (09022015). Collection method: clinical testing. Allele origin: germline.
Comment: This sequence change replaces glycine, which is neutral and non-polar, with serine, which is neutral and polar, at codon 1001 of the WDR19 protein (p.Gly1001Ser). This variant also falls at the last nucleotide of exon 26, which is part of the consensus splice site for this exon. This variant is not present in population databases (gnomAD no frequency). This variant has not been reported in the literature in individuals affected with WDR19-related conditions. An algorithm developed to predict the effect of missense changes on protein structure and function (PolyPhen-2) suggests that this variant is likely to be tolerated. Variants that disrupt the consensus splice site are a relatively common cause of aberrant splicing (PMID: 17576681, 9536098). Algorithms developed to predict the effect of sequence changes on RNA splicing suggest that this variant may disrupt the consensus splice site. In summary, the available evidence is currently insufficient to determine the role of this variant in disease. Therefore, it has been classified as a Variant of Uncertain Significance.

Literature cited by the submitters: PubMed 17576681; PubMed 9536098.